The following is an entry in ClinVar:

NM_000719.7(CACNA1C):c.953T>C (p.Leu318Pro)

Gene: CACNA1C (calcium voltage-gated channel subunit alpha1 C; plus strand). Cytogenetic location: 12p13.33.
Variant type: single nucleotide variant.
Coding change: c.953T>C on transcript NM_000719.7 (MANE Select); coding-DNA position 953, T replaced by C.
Protein change: p.Leu318Pro; replaces leucine 318 with proline.
Molecular consequence: missense variant.
Genome position (GRCh38, 1-based): chr12:2,493,226, T>C. VCF-style: chr12-2493226-T-C. GRCh37 (hg19) VCF-style: chr12-2602392-T-C.
Other names: c.953T>C, p.Leu318Pro (NM_001129834.2, NM_001129835.2, NM_001129836.2 and 18 more transcripts); c.944T>C, p.Leu315Pro (NM_001129844.2); short protein forms L318P, L315P.
Identifiers: ClinVar variation 457003 (VCV000457003.11), dbSNP rs745856938, ClinGen allele CA6388583.

ClinVar aggregate classification (germline): Uncertain significance. Review status: criteria provided, multiple submitters, no conflicts (2 of 4 stars). 2 submissions from 2 submitters: Uncertain significance (2). Last evaluated 2025-03-24.

Conditions:
Cardiovascular phenotype. Identifiers: MedGen CN230736.
Long QT syndrome (LQTS). Identifiers: MedGen C0023976, MeSH D008133, MONDO:0002442. Disease mechanism: loss of function. Inheritance: Various modes of inheritance.

Allele frequency attached by ClinVar (database versions not stated): ExAC 0.00001; gnomAD exomes 0.00001.
gnomAD v4.1: 3 of 1,614,022 alleles (0.00019%); highest among the groups gnomAD compares: Non-Finnish European, 0.00025%; no homozygotes.

Submissions (2):

Labcorp Genetics (formerly Invitae), Labcorp
Classification: Uncertain significance for Long QT syndrome. Last evaluated: 2025-03-24. Review status: criteria provided, single submitter. Criteria: Invitae Variant Classification Sherloc (09022015). Collection method: clinical testing. Allele origin: germline.
Comment: This sequence change replaces leucine, which is neutral and non-polar, with proline, which is neutral and non-polar, at codon 318 of the CACNA1C protein (p.Leu318Pro). This variant is present in population databases (rs745856938, gnomAD 0.0009%). This variant has not been reported in the literature in individuals affected with CACNA1C-related conditions. ClinVar contains an entry for this variant (Variation ID: 457003). Invitae Evidence Modeling of protein sequence and biophysical properties (such as structural, functional, and spatial information, amino acid conservation, physicochemical variation, residue mobility, and thermodynamic stability) indicates that this missense variant is not expected to disrupt CACNA1C protein function with a negative predictive value of 95%. In summary, the available evidence is currently insufficient to determine the role of this variant in disease. Therefore, it has been classified as a Variant of Uncertain Significance.

Ambry Genetics
Classification: Uncertain significance for Cardiovascular phenotype. Last evaluated: 2022-07-20. Review status: criteria provided, single submitter. Criteria: Ambry Variant Classification Scheme 2023. Collection method: clinical testing. Allele origin: germline.
Comment: The p.L318P variant (also known as c.953T>C), located in coding exon 7 of the CACNA1C gene, results from a T to C substitution at nucleotide position 953. The leucine at codon 318 is replaced by proline, an amino acid with similar properties. According to data from gnomAD, the frequency for this variant is above the maximum credible frequency for a cardiac disease-causing variant in this gene based on internally established thresholds (Karczewski et al. Nature. 2020 May;581(7809):434-443; Whiffin et al. Genet Med. 2017 10;19:1151-1158). This amino acid position is not well conserved in available vertebrate species. In addition, the in silico prediction for this alteration is inconclusive. Based on the supporting evidence, the association of this alteration with CACNA1C-related neurodevelopmental disorder is unknown; however, the association with CACNA1C-related arrhythmia is unlikely.